The following is an entry in ClinVar:

NM_000313.4(PROS1):c.684C>A (p.Cys228Ter)

Gene: PROS1 (protein S; minus strand). Cytogenetic location: 3q11.1.
Variant type: single nucleotide variant.
Coding change: c.684C>A on transcript NM_000313.4 (MANE Select); coding-DNA position 684, C replaced by A.
Protein change: p.Cys228Ter; replaces cysteine 228 with a stop codon.
Molecular consequence: nonsense.
Genome position (GRCh38, 1-based): chr3:93,900,847, G>T on the plus strand (C>A on the coding strand, the complement: PROS1 is on the minus strand). VCF-style: chr3-93900847-G-T. GRCh37 (hg19) VCF-style: chr3-93619691-G-T.
Other names: c.780C>A, p.Cys260Ter (NM_001314077.2); short protein forms C228*, C260*.
Identifiers: ClinVar variation 1676814 (VCV001676814.2), dbSNP rs377173471, ClinGen allele CA353673159.
Genomic context (GRCh38, chr3:93,900,847, plus strand): 5'-TACCACCATCATCCTACCTTCACAAGACTTTGATTTGAGATTATATCTGTAGCCTTCGGG[G>T]CATTCACATTCAAAATCTCCTGGGATGTTCTTGCACACAGCTGTGCCACAAATGCTTGGC-3'

ClinVar aggregate classification (germline): Likely pathogenic (1 of 4 stars; one submission).

Submission:

MVZ Dr. Eberhard & Partner Dortmund
Classification: Likely pathogenic. Last evaluated: 2021-03-11. Review status: criteria provided, single submitter. Criteria: ACMG Guidelines, 2015. Collection method: clinical testing. Allele origin: unknown. Observed: 1 heterozygote.
Comment: The transversion of C to A leads to a premature STOP codon at Cys228. Due to the nonsense mutation and the possibility of nonsense mediated decay, a null variant with loss of function is created. Therefore the mutation is a null variant in a gene where loss of function is a known mechanism of disease. This mutation is also absent from controls in Exome Sequencing Project. This variant is considered to be likely pathogenic according to the ACMG guidelines.